The following is an entry in ClinVar:

ClinVar aggregate classification (germline): Uncertain significance. Review status: criteria provided, multiple submitters, no conflicts (2 of 4 stars). 2 submissions from 2 submitters: Uncertain significance (2). Last evaluated 2025-04-07.

Conditions:
TFAP2A-related disorder. Also called: TFAP2A-related condition.
Inborn genetic diseases. Identifiers: MedGen C0950123, MeSH D030342.

Allele frequency attached by ClinVar (database versions not stated): gnomAD 0.00002; TOPMed 0.00009.

Submissions (2):

PreventionGenetics, part of Exact Sciences
Classification: Uncertain significance for TFAP2A-related condition. Last evaluated: 2025-04-07. Review status: criteria provided, single submitter. Criteria: ACMG Guidelines, 2015. Collection method: clinical testing. Allele origin: germline.
Comment: The TFAP2A c.588C>A variant is predicted to result in the amino acid substitution p.Asn196Lys. To our knowledge, this variant has not been reported in the literature or in a large population database (gnomAD), indicating this variant is rare. At this time, the clinical significance of this variant is uncertain due to the absence of conclusive functional and genetic evidence.

Ambry Genetics
Classification: Uncertain significance for Inborn genetic diseases. Last evaluated: 2023-12-20. Review status: criteria provided, single submitter. Criteria: Ambry Variant Classification Scheme 2023. Collection method: clinical testing. Allele origin: germline.
Comment: The c.588C>A (p.N196K) alteration is located in exon 4 (coding exon 4) of the TFAP2A gene. This alteration results from a C to A substitution at nucleotide position 588, causing the asparagine (N) at amino acid position 196 to be replaced by a lysine (K). This variant was not reported in population-based cohorts in the Genome Aggregation Database (gnomAD). This amino acid position is highly conserved in available vertebrate species. The in silico prediction for this alteration is inconclusive. Based on insufficient or conflicting evidence, the clinical significance of this alteration remains unclear.

NM_001372066.1(TFAP2A):c.594C>A (p.Asn198Lys)

Genes: TFAP2A (transcription factor AP-2 alpha; minus strand), TFAP2A-AS2 (TFAP2A antisense RNA 2; plus strand), LOC121740638 (BRD4-independent group 4 enhancer GRCh37_chr6:10403277-10404476; plus strand). Cytogenetic location: 6p24.3.
Variant type: single nucleotide variant.
Coding change: c.594C>A on transcript NM_001372066.1 (MANE Select); coding-DNA position 594, C replaced by A.
Protein change: p.Asn198Lys; replaces asparagine 198 with lysine.
Molecular consequence: missense variant. On other transcripts: non-coding transcript variant (1).
Genome position (GRCh38, 1-based): chr6:10,404,684, G>T on the plus strand (C>A on the coding strand, the complement: TFAP2A is on the minus strand). VCF-style: chr6-10404684-G-T. GRCh37 (hg19) VCF-style: chr6-10404917-G-T.
Other names: NM_003220.2:c.588C>A; c.570C>A, p.Asn190Lys (NM_001032280.3); c.576C>A, p.Asn192Lys (NM_001042425.3); short protein forms N190K, N192K, N198K.
Identifiers: ClinVar variation 2281958 (VCV002281958.3), dbSNP rs925135582, ClinGen allele CA134049244.